The following is an entry in ClinVar:

NM_020458.4(TTC7A):c.2471A>G (p.Gln824Arg)

Gene: TTC7A (tetratricopeptide repeat domain 7A; plus strand). Cytogenetic location: 2p21.
Variant type: single nucleotide variant.
Coding change: c.2471A>G on transcript NM_020458.4 (MANE Select); coding-DNA position 2471, A replaced by G.
Protein change: p.Gln824Arg; replaces glutamine 824 with arginine.
Molecular consequence: missense variant.
Genome position (GRCh38, 1-based): chr2:47,073,817, A>G. VCF-style: chr2-47073817-A-G. GRCh37 (hg19) VCF-style: chr2-47300956-A-G.
Other names: c.2543A>G, p.Gln848Arg (NM_001288951.2); c.2369A>G, p.Gln790Arg (NM_001288953.2); c.1409A>G, p.Gln470Arg (NM_001288955.2); short protein forms Q470R, Q824R, Q848R, Q790R.
Identifiers: ClinVar variation 1428024 (VCV001428024.8), dbSNP rs2103676030, ClinGen allele CA346718001.

ClinVar aggregate classification (germline): Uncertain significance (1 of 4 stars; one submission).

Conditions:
Multiple gastrointestinal atresias. Also called: FAMILIAL INTESTINAL POLYATRESIA SYNDROME; Multiple intestinal atresia. Identifiers: Orphanet 2300, MedGen C0220744, MONDO:0009465.

Allele frequency attached by ClinVar (database versions not stated): gnomAD exomes below 0.00001.
gnomAD v4.1: 1 of 1,613,710 alleles (0.000062%); highest among the groups gnomAD compares: Non-Finnish European, 0.000085%; no homozygotes.

Submission:

Labcorp Genetics (formerly Invitae), Labcorp
Classification: Uncertain significance for Multiple gastrointestinal atresias. Last evaluated: 2020-12-05. Review status: criteria provided, single submitter. Criteria: Invitae Variant Classification Sherloc (09022015). Collection method: clinical testing. Allele origin: germline.
Comment: In summary, the available evidence is currently insufficient to determine the role of this variant in disease. Therefore, it has been classified as a Variant of Uncertain Significance. Algorithms developed to predict the effect of missense changes on protein structure and function output the following: SIFT: "Tolerated"; PolyPhen-2: "Benign"; Align-GVGD: "Class C0". The arginine amino acid residue is found in multiple mammalian species, suggesting that this missense change does not adversely affect protein function. These predictions have not been confirmed by published functional studies and their clinical significance is uncertain. This variant has not been reported in the literature in individuals with TTC7A-related conditions. This variant is not present in population databases (ExAC no frequency). This sequence change replaces glutamine with arginine at codon 824 of the TTC7A protein (p.Gln824Arg). The glutamine residue is moderately conserved and there is a small physicochemical difference between glutamine and arginine.